The following is an entry in ClinVar:

NM_002095.6(GTF2E2):c.143C>T (p.Ser48Leu)

Gene: GTF2E2 (general transcription factor IIE subunit 2; minus strand). Cytogenetic location: 8p12.
Variant type: single nucleotide variant.
Coding change: c.143C>T on transcript NM_002095.6 (MANE Select); coding-DNA position 143, C replaced by T.
Protein change: p.Ser48Leu; replaces serine 48 with leucine.
Molecular consequence: missense variant.
Genome position (GRCh38, 1-based): chr8:30,653,456, G>A on the plus strand (C>T on the coding strand, the complement: GTF2E2 is on the minus strand). VCF-style: chr8-30653456-G-A. GRCh37 (hg19) VCF-style: chr8-30510973-G-A.
Other names: c.143C>T, p.Ser48Leu (NM_001348353.1); short protein forms S48L.
Identifiers: ClinVar variation 1449651 (VCV001449651.8), dbSNP rs1164030994, ClinGen allele CA370877125.
Genomic context (GRCh38, chr8:30,653,456, plus strand): 5'-GAATAAAAACCAAACAGTCCTAAACAATTTTACTAACCAGAATTTTGTTTAGAGCCTGAC[G>A]ATCCTCCATGTTCTACCTTTGTTTTCTTCTTCTTTGACGATGATGATGATGACTCAGAAG-3'
Protein context (NP_002086.1, residues 38-58): KKKTKVEHGG[Ser48Leu]SGSKQNSDHS

ClinVar aggregate classification (germline): Uncertain significance (1 of 4 stars; one submission).

gnomAD v4.1: 11 of 1,613,370 alleles (0.00068%); highest among the groups gnomAD compares: South Asian, 0.0011%; no homozygotes.

Submission:

Labcorp Genetics (formerly Invitae), Labcorp
Classification: Uncertain significance. Last evaluated: 2022-09-13. Review status: criteria provided, single submitter. Criteria: Invitae Variant Classification Sherloc (09022015). Collection method: clinical testing. Allele origin: germline.
Comment: ClinVar contains an entry for this variant (Variation ID: 1449651). This variant has not been reported in the literature in individuals affected with GTF2E2-related conditions. This variant is not present in population databases (gnomAD no frequency). This sequence change replaces serine, which is neutral and polar, with leucine, which is neutral and non-polar, at codon 48 of the GTF2E2 protein (p.Ser48Leu). Algorithms developed to predict the effect of sequence changes on RNA splicing suggest that this variant may create or strengthen a splice site. Algorithms developed to predict the effect of missense changes on protein structure and function (SIFT, PolyPhen-2, Align-GVGD) all suggest that this variant is likely to be tolerated. In summary, the available evidence is currently insufficient to determine the role of this variant in disease. Therefore, it has been classified as a Variant of Uncertain Significance.